The following is an entry in ClinVar:

ClinVar aggregate classification (germline): Likely benign (1 of 4 stars; one submission).

gnomAD v4.1: 5 of 1,612,944 alleles (0.00031%); highest among the groups gnomAD compares: African/African-American, 0.0027%; no homozygotes.

Submission:

CeGaT Center for Human Genetics Tuebingen
Classification: Likely benign. Last evaluated: 2025-10-01. Review status: criteria provided, single submitter. Criteria: CeGaT Center For Human Genetics Tuebingen Variant Classification Criteria Version 2. Collection method: clinical testing. Allele origin: germline. Affected: yes. Observed: 1 variant allele.
Comment: ASXL3: BP4, BP7

NM_030632.3(ASXL3):c.2868T>C (p.Ser956=)

Gene: ASXL3 (ASXL transcriptional regulator 3; plus strand). Cytogenetic location: 18q12.1.
Variant type: single nucleotide variant.
Coding change: c.2868T>C on transcript NM_030632.3 (MANE Select); coding-DNA position 2868, T replaced by C.
Protein change: p.Ser956=; no amino-acid change (serine 956 retained).
Molecular consequence: synonymous variant.
Genome position (GRCh38, 1-based): chr18:33,740,272, T>C. VCF-style: chr18-33740272-T-C. GRCh37 (hg19) VCF-style: chr18-31320236-T-C.
Identifiers: ClinVar variation 4534822 (VCV004534822.6).
Genomic context (GRCh38, chr18:33,740,272, plus strand): 5'-CTCACATACTTCCAAGTCATCAGAGCCCTCCAAGTCACCTGATGGGATAAGAAATGAAAG[T>C]AGAGATTCAGAGATATCAAAGAGAAAAACTGCAGAGCAACACAGCTTTGGAATCTGTAAG-3'
Protein context (NP_085135.1, residues 946-966): SKSPDGIRNE[Ser956=]RDSEISKRKT